The following is an entry in ClinVar:

NM_001376.5(DYNC1H1):c.13801_13802delinsGC (p.Lys4601Ala)

Gene: DYNC1H1 (dynein cytoplasmic 1 heavy chain 1; plus strand). Cytogenetic location: 14q32.31.
Variant type: Indel.
Coding change: c.13801_13802delinsGC on transcript NM_001376.5 (MANE Select); coding-DNA positions 13801 to 13802, AA replaced by GC.
Protein change: p.Lys4601Ala; replaces lysine 4601 with alanine.
Molecular consequence: missense variant.
Genome position (GRCh38, 1-based): chr14:102,050,187-102,050,188, AA replaced by GC. VCF-style: chr14-102050187-AA-GC. GRCh37 (hg19) VCF-style: chr14-102516524-AA-GC.
Other names: c.13801_13802delAAinsGC (NM_001376.4); short protein forms K4601A.
Identifiers: ClinVar variation 843098 (VCV000843098.8), dbSNP rs2048788225, ClinGen allele CA916083397.

ClinVar aggregate classification (germline): Uncertain significance. Review status: criteria provided, multiple submitters, no conflicts (2 of 4 stars). 3 submissions from 3 submitters: Uncertain significance (3). Last evaluated 2026-02-23.

Conditions:
Inborn genetic diseases. Identifiers: MedGen C0950123, MeSH D030342.
Charcot-Marie-Tooth disease axonal type 2O. Also called: Charcot-Marie-Tooth Neuropathy Type 2O; CHARCOT-MARIE-TOOTH NEUROPATHY, AXONAL, TYPE 2O; CHARCOT-MARIE-TOOTH DISEASE, AXONAL, AUTOSOMAL DOMINANT, TYPE 2O; Charcot-Marie-Tooth disease, axonal, type 20. Identifiers: Orphanet 284232, MedGen C3280220, MONDO:0013644, OMIM 614228.

Submissions (3):

Ambry Genetics
Classification: Uncertain significance for Inborn genetic diseases. Last evaluated: 2026-02-23. Review status: criteria provided, single submitter. Criteria: Ambry Variant Classification Scheme 2023. Collection method: clinical testing. Allele origin: germline.
Comment: The c.13801_13802delAAinsGC (p.K4601A) alteration, located in exon 77 (coding exon 77) of the DYNC1H1 gene, consists of an in-frame substitution of 2 nucleotides from position 13801 to 13802, resulting in the insertion of 1 residue. This variant was not reported in population-based cohorts in the Genome Aggregation Database (gnomAD). This amino acid position is highly conserved in available vertebrate species. This variant is predicted to be neutral by in silico analysis (Choi, 2012). Based on insufficient or conflicting evidence, the clinical significance of this alteration remains unclear.

Women's Health and Genetics/Laboratory Corporation of America, LabCorp
Classification: Uncertain significance. Last evaluated: 2024-11-12. Review status: criteria provided, single submitter. Criteria: LabCorp Variant Classification Summary - May 2015. Collection method: clinical testing. Allele origin: germline.
Comment: Variant summary: DYNC1H1 c.13801_13802delinsGC (p.Lys4601Ala) results in a non-conservative amino acid change located in the Dynein heavy chain C-terminal domain (IPR041228) of the encoded protein sequence. Two of three in-silico tools predict a benign effect of the variant on protein function. The variant was absent in 251398 control chromosomes. The available data on variant occurrences in the general population are insufficient to allow any conclusion about variant significance. To our knowledge, no occurrence of c.13801_13802delinsGC in individuals affected with Charcot-Marie-Tooth disease axonal type 2O and no experimental evidence demonstrating its impact on protein function have been reported. ClinVar contains an entry for this variant (Variation ID: 843098). Based on the evidence outlined above, the variant was classified as uncertain significance.

Labcorp Genetics (formerly Invitae), Labcorp
Classification: Uncertain significance for Charcot-Marie-Tooth disease axonal type 2O. Last evaluated: 2024-10-04. Review status: criteria provided, single submitter. Criteria: Invitae Variant Classification Sherloc (09022015). Collection method: clinical testing. Allele origin: germline.
Comment: This sequence change replaces lysine, which is basic and polar, with alanine, which is neutral and non-polar, at codon 4601 of the DYNC1H1 protein (p.Lys4601Ala). This variant is present in population databases (no rsID available, gnomAD 0.0007%). This variant has not been reported in the literature in individuals affected with DYNC1H1-related conditions. This missense change has been observed in at least one individual who was not affected with DYNC1H1-related conditions (internal data). ClinVar contains an entry for this variant (Variation ID: 843098). An algorithm developed to predict the effect of missense changes on protein structure and function (PolyPhen-2) suggests that this variant is likely to be tolerated. In summary, the available evidence is currently insufficient to determine the role of this variant in disease. Therefore, it has been classified as a Variant of Uncertain Significance.